The following is an entry in ClinVar:

NM_003872.3(NRP2):c.1333A>C (p.Ile445Leu)

Gene: NRP2 (neuropilin 2; plus strand). Cytogenetic location: 2q33.3.
Variant type: single nucleotide variant.
Coding change: c.1333A>C on transcript NM_003872.3 (MANE Select); coding-DNA position 1333, A replaced by C.
Protein change: p.Ile445Leu; replaces isoleucine 445 with leucine.
Molecular consequence: missense variant.
Genome position (GRCh38, 1-based): chr2:205,743,244, A>C. VCF-style: chr2-205743244-A-C. GRCh37 (hg19) VCF-style: chr2-206607968-A-C.
Other names: c.1333A>C, p.Ile445Leu (NM_018534.4, NM_201264.2, NM_201266.2 and 2 more transcripts); short protein forms I445L.
Identifiers: ClinVar variation 717896 (VCV000717896.4), dbSNP rs201900948, ClinGen allele CA2069077.

ClinVar aggregate classification (germline): Likely benign. Review status: criteria provided, multiple submitters, no conflicts (2 of 4 stars). 2 submissions from 2 submitters: Likely benign (2). Last evaluated 2025-09-22.

Conditions:
NRP2-related disorder. Also called: NRP2-related condition.

Allele frequency attached by ClinVar (database versions not stated): gnomAD 0.00016 and 0.00019; 1000 Genomes Project 30x 0.00031; TOPMed 0.00031; ExAC 0.00036; 1000 Genomes Project 0.00040; gnomAD exomes 0.00041.
gnomAD v4.1: 185 of 1,613,872 alleles (0.011%); highest among the groups gnomAD compares: East Asian, 0.39%; 1 homozygote.

Submissions (2):

PreventionGenetics, part of Exact Sciences
Classification: Likely benign for NRP2-related condition. Last evaluated: 2025-09-22. Review status: criteria provided, single submitter. Criteria: ACMG Guidelines, 2015. Collection method: clinical testing. Allele origin: germline.
Comment: This variant is classified as likely benign based on ACMG/AMP sequence variant interpretation guidelines (Richards et al. 2015 PMID: 25741868, with internal and published modifications).

Labcorp Genetics (formerly Invitae), Labcorp
Classification: Likely benign. Last evaluated: 2018-06-29. Review status: criteria provided, single submitter. Criteria: Invitae Variant Classification Sherloc (09022015). Collection method: clinical testing. Allele origin: germline.